The following is an entry in ClinVar:

NM_001276309.3(NOL3):c.76G>T (p.Asp26Tyr)

Gene: NOL3 (nucleolar protein 3; plus strand). Cytogenetic location: 16q22.1.
Variant type: single nucleotide variant.
Coding change: c.76G>T on transcript NM_001276309.3 (MANE Select); coding-DNA position 76, G replaced by T.
Protein change: p.Asp26Tyr; replaces aspartic acid 26 with tyrosine.
Molecular consequence: missense variant.
Genome position (GRCh38, 1-based): chr16:67,174,245, G>T. VCF-style: chr16-67174245-G-T. GRCh37 (hg19) VCF-style: chr16-67208148-G-T.
Other names: c.76G>T, p.Asp26Tyr (NM_001185057.3, NM_001276307.3, NM_001276311.2 and 9 more transcripts); short protein forms D26Y.
Identifiers: ClinVar variation 3047843 (VCV003047843.2), dbSNP rs764161123, ClinGen allele CA8102275.

ClinVar aggregate classification (germline): Likely benign (0 of 4 stars; one submission).

Conditions:
NOL3-related disorder. Also called: NOL3-related condition.

Allele frequency attached by ClinVar (database versions not stated): gnomAD 0.00005; gnomAD exomes 0.00021; TOPMed 0.00025; ExAC 0.00046.
gnomAD v4.1: 133 of 1,612,738 alleles (0.0082%); highest among the groups gnomAD compares: Admixed American, 0.22%; no homozygotes.

Submission:

PreventionGenetics, part of Exact Sciences
Classification: Likely benign for NOL3-related condition. Last evaluated: 2022-02-23. Review status: no assertion criteria provided. Collection method: clinical testing. Allele origin: germline.
Comment: This variant is classified as likely benign based on ACMG/AMP sequence variant interpretation guidelines (Richards et al. 2015 PMID: 25741868, with internal and published modifications).